The following is an entry in ClinVar:

ClinVar aggregate classification (germline): Uncertain significance (1 of 4 stars; one submission).

Allele frequency attached by ClinVar (database versions not stated): gnomAD exomes below 0.00001; gnomAD 0.00001; TOPMed 0.00001.
gnomAD v4.1: 3 of 1,612,170 alleles (0.00019%); highest among the groups gnomAD compares: African/African-American, 0.0027%; no homozygotes.

Submission:

Labcorp Genetics (formerly Invitae), Labcorp
Classification: Uncertain significance. Last evaluated: 2022-06-27. Review status: criteria provided, single submitter. Criteria: Invitae Variant Classification Sherloc (09022015). Collection method: clinical testing. Allele origin: germline.
Comment: Algorithms developed to predict the effect of missense changes on protein structure and function (SIFT, PolyPhen-2, Align-GVGD) all suggest that this variant is likely to be tolerated. In summary, the available evidence is currently insufficient to determine the role of this variant in disease. Therefore, it has been classified as a Variant of Uncertain Significance. Algorithms developed to predict the effect of sequence changes on RNA splicing suggest that this variant may create or strengthen a splice site. This variant has not been reported in the literature in individuals affected with AHR-related conditions. This variant is present in population databases (no rsID available, gnomAD 0.007%). This sequence change replaces methionine, which is neutral and non-polar, with valine, which is neutral and non-polar, at codon 237 of the AHR protein (p.Met237Val).

NM_001621.5(AHR):c.709A>G (p.Met237Val)

Gene: AHR (aryl hydrocarbon receptor; plus strand). Cytogenetic location: 7p21.1.
Variant type: single nucleotide variant.
Coding change: c.709A>G on transcript NM_001621.5 (MANE Select); coding-DNA position 709, A replaced by G.
Protein change: p.Met237Val; replaces methionine 237 with valine.
Molecular consequence: missense variant.
Genome position (GRCh38, 1-based): chr7:17,333,915, A>G. VCF-style: chr7-17333915-A-G. GRCh37 (hg19) VCF-style: chr7-17373539-A-G.
Other names: short protein forms M237V.
Identifiers: ClinVar variation 1389327 (VCV001389327.6), dbSNP rs1472378146, ClinGen allele CA366891929.